The following is an entry in ClinVar:

NM_000278.5(PAX2):c.1074C>A (p.Asn358Lys)

Gene: PAX2 (paired box 2; plus strand). Cytogenetic location: 10q24.31.
Variant type: single nucleotide variant.
Coding change: c.1074C>A on transcript NM_000278.5 (MANE Select); coding-DNA position 1074, C replaced by A.
Protein change: p.Asn358Lys; replaces asparagine 358 with lysine.
Molecular consequence: missense variant.
Genome position (GRCh38, 1-based): chr10:100,827,061, C>A. VCF-style: chr10-100827061-C-A. GRCh37 (hg19) VCF-style: chr10-102586818-C-A.
Other names: c.1167C>A, p.Asn389Lys (NM_001304569.2); c.1143C>A, p.Asn381Lys (NM_003987.5, NM_003990.5); c.1157C>A, p.Thr386Lys (NM_003988.5); c.1074C>A, p.Asn358Lys (NM_003989.5); short protein forms T386K, N358K, N381K, N389K.
Identifiers: ClinVar variation 4790592 (VCV004790592.2).

ClinVar aggregate classification (germline): Uncertain significance. Review status: criteria provided, multiple submitters, no conflicts (2 of 4 stars). 2 submissions from 2 submitters: Uncertain significance (2). Last evaluated 2025-04-11.

Conditions:
Renal coloboma syndrome (PAPRS). Also called: PAPILLORENAL SYNDROME; COLOBOMA OF OPTIC NERVE WITH RENAL DISEASE; OPTIC COLOBOMA, VESICOURETERAL REFLUX, AND RENAL ANOMALIES; OPTIC NERVE COLOBOMA WITH RENAL DISEASE; RENAL-COLOBOMA SYNDROME WITH MACULAR ABNORMALITIES; PAPILLORENAL SYNDROME WITH MILD OCULAR ABNORMALITIES. Identifiers: Orphanet 1475, MedGen C1852759, MONDO:0007352, OMIM 120330.
Focal segmental glomerulosclerosis 7 (FSGS7). Identifiers: Orphanet 656, MedGen C4014925, MONDO:0014451, OMIM 616002.

gnomAD v4.1: 3 of 1,613,522 alleles (0.00019%); highest among the groups gnomAD compares: Non-Finnish European, 0.00025%; no homozygotes.

Submissions (2):

Labcorp Genetics (formerly Invitae), Labcorp
Classification: Uncertain significance for Renal coloboma syndrome; Focal segmental glomerulosclerosis 7. Last evaluated: 2025-04-11. Review status: criteria provided, single submitter. Criteria: Invitae Variant Classification Sherloc (09022015). Collection method: clinical testing. Allele origin: germline.
Comment: This sequence change replaces threonine, which is neutral and polar, with lysine, which is basic and polar, at codon 386 of the PAX2 protein (p.Thr386Lys). This variant is not present in population databases (gnomAD no frequency). This variant has not been reported in the literature in individuals affected with PAX2-related conditions. Experimental studies and prediction algorithms are not available or were not evaluated, and the functional significance of this variant is currently unknown. In summary, the available evidence is currently insufficient to determine the role of this variant in disease. Therefore, it has been classified as a Variant of Uncertain Significance.

Blueprint Genetics
Classification: Uncertain significance. Last evaluated: 2024-08-13. Review status: criteria provided, single submitter. Criteria: ACMG Guidelines, 2015. Collection method: clinical testing. Allele origin: germline.